The following is an entry in ClinVar:

NM_000026.4(ADSL):c.153+274T>C

Gene: ADSL (adenylosuccinate lyase; plus strand). Cytogenetic location: 22q13.1.
Variant type: single nucleotide variant.
Coding change: c.153+274T>C on transcript NM_000026.4 (MANE Select); 274 bases into the intron after coding-DNA position 153, T replaced by C.
Molecular consequence: intron variant.
Genome position (GRCh38, 1-based): chr22:40,346,985, T>C. VCF-style: chr22-40346985-T-C. GRCh37 (hg19) VCF-style: chr22-40742989-T-C.
Other names: c.153+274T>C (NM_001363840.3, NM_001123378.3); c.-40+329T>C (NM_001317923.2).
Identifiers: ClinVar variation 668771 (VCV000668771.1), dbSNP rs3788579, ClinGen allele CA14960043.

ClinVar aggregate classification (germline): Benign (1 of 4 stars; one submission).

Allele frequency attached by ClinVar (database versions not stated): 1000 Genomes Project 0.20966; gnomAD 0.20984 and 0.21162; 1000 Genomes Project 30x 0.21487; TOPMed 0.22447.
gnomAD v4.1: 31,909 of 152,118 alleles (21%); highest among the groups gnomAD compares: Admixed American, 37%; 3,817 homozygotes.

Submission:

GeneDx
Classification: Benign. Last evaluated: 2018-06-18. Review status: criteria provided, single submitter. Criteria: GeneDx Variant Classification (06012015). Collection method: clinical testing. Allele origin: germline. Affected: yes.
Comment: This variant is considered likely benign or benign based on one or more of the following criteria: it is a conservative change, it occurs at a poorly conserved position in the protein, it is predicted to be benign by multiple in silico algorithms, and/or has population frequency not consistent with disease.